The following is an entry in ClinVar:

ClinVar aggregate classification (germline): Uncertain significance (1 of 4 stars; one submission).

Submission:

Ambry Genetics
Classification: Uncertain significance. Last evaluated: 2025-12-06. Review status: criteria provided, single submitter. Criteria: Ambry Variant Classification Scheme 2023. Collection method: clinical testing. Allele origin: germline.
Comment: The p.I106V variant (also known as c.316A>G), located in coding exon 2 of the RNF43 gene, results from an A to G substitution at nucleotide position 316. The isoleucine at codon 106 is replaced by valine, an amino acid with highly similar properties. This amino acid position is conserved. In addition, this alteration is predicted to be tolerated by in silico analysis. Based on the available evidence, the clinical significance of this variant remains unclear.

NM_017763.6(RNF43):c.316A>G (p.Ile106Val)

Gene: RNF43 (ring finger protein 43; minus strand). Cytogenetic location: 17q22.
Variant type: single nucleotide variant.
Coding change: c.316A>G on transcript NM_017763.6 (MANE Select); coding-DNA position 316, A replaced by G.
Protein change: p.Ile106Val; replaces isoleucine 106 with valine.
Molecular consequence: missense variant. On other transcripts: 5 prime UTR variant (2).
Genome position (GRCh38, 1-based): chr17:58,370,970, T>C on the plus strand (A>G on the coding strand, the complement: RNF43 is on the minus strand). VCF-style: chr17-58370970-T-C. GRCh37 (hg19) VCF-style: chr17-56448331-T-C.
Other names: c.316A>G, p.Ile106Val (NM_001305544.3, NM_001438820.1, NM_001438821.1 and 1 more transcripts); c.-66A>G (NM_001305545.2, NM_001437987.1); short protein forms I106V.
Identifiers: ClinVar variation 4579015 (VCV004579015.1).
Genomic context (GRCh38, chr17:58,370,970, plus strand): 5'-CCTTGCTAGCCAGTGACAGGCAGGGGCGGGGGGCCCGTCGAGGACTCTCCAGCTTGACGA[T>C]GCTGATGAATCCAGGCTCCAGATTGTCGTCATCACTGGCATTGCACAGGTACAGCGGGTG-3'
Protein context (NP_060233.3, residues 96-116): DDNLEPGFIS[Ile106Val]VKLESPRRAP